The following is an entry in ClinVar:

ClinVar aggregate classification (germline): Pathogenic (1 of 4 stars; one submission).

Conditions:
Cornelia de Lange syndrome 1 (CDLS1). Also called: Brachmann de Lange syndrome; NIPBL-Related Cornelia de Lange Syndrome; TYPUS DEGENERATIVUS AMSTELODAMENSIS. Identifiers: Orphanet 199, MedGen C4551851, MONDO:0007387, OMIM 122470.

Submission:

Labcorp Genetics (formerly Invitae), Labcorp
Classification: Pathogenic for Cornelia de Lange syndrome 1. Last evaluated: 2021-05-26. Review status: criteria provided, single submitter. Criteria: Invitae Variant Classification Sherloc (09022015). Collection method: clinical testing. Allele origin: germline.
Comment: This sequence change creates a premature translational stop signal (p.Arg505Lysfs*17) in the NIPBL gene. It is expected to result in an absent or disrupted protein product. Loss-of-function variants in NIPBL are known to be pathogenic (PMID: 15318302, 19763162, 23505322, 29995837). This variant is not present in population databases (ExAC no frequency). This variant has been observed in individual(s) with Cornelia De Lange syndrome (PMID: 16236812). This variant is also known as c.1513_1514insA. For these reasons, this variant has been classified as Pathogenic.

Literature cited by the submitters: PubMed 15318302; PubMed 19763162; PubMed 23505322; PubMed 29995837; PubMed 16236812.

NM_133433.4(NIPBL):c.1513dup (p.Arg505fs)

Gene: NIPBL (NIPBL cohesin loading factor; plus strand). Cytogenetic location: 5p13.2.
Variant type: Duplication.
Coding change: c.1513dup on transcript NM_133433.4 (MANE Select); coding-DNA position 1513, one base duplicated (A; older notation c.1513dupA).
Protein change: p.Arg505fs; shifts the reading frame from arginine 505.
Molecular consequence: frameshift variant.
Genome position (GRCh38, 1-based): chr5:36,984,693, A duplicated; the last of 7 consecutive A bases (chr5:36,984,687-36,984,693); duplicating any one gives the same sequence. VCF-style (leftmost placement, unchanged base first): chr5-36984686-G-GA. GRCh37 (hg19) VCF-style: chr5-36984788-G-GA.
Other names: c.1513dup, p.Arg505fs (NM_015384.5); short protein forms R505fs.
Identifiers: ClinVar variation 1458980 (VCV001458980.8), dbSNP rs34314728, ClinGen allele CA2573139680.